The following is an entry in ClinVar:

NM_004273.5(CHST3):c.72C>T (p.Tyr24=)

Gene: CHST3 (carbohydrate sulfotransferase 3; plus strand). Cytogenetic location: 10q22.1.
Variant type: single nucleotide variant.
Coding change: c.72C>T on transcript NM_004273.5 (MANE Select); coding-DNA position 72, C replaced by T.
Protein change: p.Tyr24=; no amino-acid change (tyrosine 24 retained).
Molecular consequence: synonymous variant.
Genome position (GRCh38, 1-based): chr10:72,005,914, C>T. VCF-style: chr10-72005914-C-T. GRCh37 (hg19) VCF-style: chr10-73765672-C-T.
Identifiers: ClinVar variation 1176876 (VCV001176876.41), dbSNP rs542040061, ClinGen allele CA5547995.

ClinVar aggregate classification (germline): Likely benign. Review status: criteria provided, multiple submitters, no conflicts (2 of 4 stars). 3 submissions from 3 submitters: Likely benign (3). Last evaluated 2026-03-01.

Conditions:
Spondyloepiphyseal dysplasia with congenital joint dislocations (SEDCJD). Also called: Chondrodysplasia with Congenital Joint Dislocations, CHST3-Related. Identifiers: Orphanet 263463, MedGen C1837657, MONDO:0007738, OMIM 143095.

Allele frequency attached by ClinVar (database versions not stated): gnomAD 0.00001; gnomAD exomes 0.00001 and 0.00003; TOPMed 0.00001; ExAC 0.00002; 1000 Genomes Project 30x 0.00016; 1000 Genomes Project 0.00020.
gnomAD v4.1: 18 of 1,614,186 alleles (0.0011%); highest among the groups gnomAD compares: African/African-American, 0.0027%; no homozygotes.

Submissions (3):

CeGaT Center for Human Genetics Tuebingen
Classification: Likely benign. Last evaluated: 2026-03-01. Review status: criteria provided, single submitter. Criteria: CeGaT Center For Human Genetics Tuebingen Variant Classification Criteria Version 2. Collection method: clinical testing. Allele origin: germline. Affected: yes. Observed: 2 variant alleles.
Comment: CHST3: BP4, BP7

Labcorp Genetics (formerly Invitae), Labcorp
Classification: Likely benign for Spondyloepiphyseal dysplasia with congenital joint dislocations. Last evaluated: 2025-07-09. Review status: criteria provided, single submitter. Criteria: Invitae Variant Classification Sherloc (09022015). Collection method: clinical testing. Allele origin: germline.

Blueprint Genetics
Classification: Likely benign. Last evaluated: 2023-11-01. Review status: criteria provided, single submitter. Criteria: ACMG Guidelines, 2015. Collection method: clinical testing. Allele origin: germline.